The following is an entry in ClinVar:

ClinVar aggregate classification (germline): Uncertain significance (1 of 4 stars; one submission).

Submission:

GeneDx
Classification: Uncertain significance. Last evaluated: 2025-05-08. Review status: criteria provided, single submitter. Criteria: GeneDx Variant Classification Process June 2021. Collection method: clinical testing. Allele origin: germline. Affected: yes.
Comment: Not observed at significant frequency in large population cohorts (gnomAD); In silico analysis supports that this missense variant has a deleterious effect on protein structure/function; Has not been previously published as pathogenic or benign to our knowledge

NM_003482.4(KMT2D):c.15646T>C (p.Tyr5216His)

Gene: KMT2D (lysine methyltransferase 2D; minus strand). Cytogenetic location: 12q13.12.
Variant type: single nucleotide variant.
Coding change: c.15646T>C on transcript NM_003482.4 (MANE Select); coding-DNA position 15646, T replaced by C.
Protein change: p.Tyr5216His; replaces tyrosine 5216 with histidine.
Molecular consequence: missense variant.
Genome position (GRCh38, 1-based): chr12:49,026,320, A>G on the plus strand (T>C on the coding strand, the complement: KMT2D is on the minus strand). VCF-style: chr12-49026320-A-G. GRCh37 (hg19) VCF-style: chr12-49420103-A-G.
Other names: short protein forms Y5216H.
Identifiers: ClinVar variation 4527991 (VCV004527991.1).